The following is an entry in ClinVar:

ClinVar aggregate classification (germline): Benign/Likely benign. Review status: criteria provided, multiple submitters, no conflicts (2 of 4 stars). 5 submissions from 5 submitters: Benign (1); Likely benign (4). Last evaluated 2025-05-05.

Conditions:
Hereditary cancer-predisposing syndrome. Also called: Hereditary neoplastic syndrome; Neoplastic Syndromes, Hereditary; Hereditary Cancer Syndrome; Tumor predisposition. Identifiers: Orphanet 140162, MedGen C0027672, MeSH D009386, MONDO:0015356.
Familial cancer of breast. Also called: BREAST CANCER, FAMILIAL; Hereditary breast cancer; hereditary breast carcinoma. Identifiers: Orphanet 227535, MedGen C0346153, MONDO:0016419, OMIM 114480. Disease mechanism: loss of function.

gnomAD v4.1: 14 of 1,596,316 alleles (0.00088%); highest among the groups gnomAD compares: South Asian, 0.015%; no homozygotes.

Submissions (5):

Labcorp Genetics (formerly Invitae), Labcorp
Classification: Likely benign for Familial cancer of breast. Last evaluated: 2025-05-05. Review status: criteria provided, single submitter. Criteria: Invitae Variant Classification Sherloc (09022015). Collection method: clinical testing. Allele origin: germline.

Myriad Genetics, Inc.
Classification: Benign for Familial cancer of breast. Last evaluated: 2024-10-09. Review status: criteria provided, single submitter. Criteria: Myriad Autosomal Dominant, Autosomal Recessive and X-Linked Classification Criteria (2023). Collection method: clinical testing. Allele origin: unknown.
Comment: This variant is considered benign. This variant is a silent/synonymous amino acid change and it is not expected to impact splicing.

Women's Health and Genetics/Laboratory Corporation of America, LabCorp
Classification: Likely benign. Last evaluated: 2023-11-03. Review status: criteria provided, single submitter. Criteria: LabCorp Variant Classification Summary - May 2015. Collection method: clinical testing. Allele origin: germline.

Ambry Genetics
Classification: Likely benign for Hereditary cancer-predisposing syndrome. Last evaluated: 2021-03-05. Review status: criteria provided, single submitter. Criteria: Ambry Variant Classification Scheme 2023. Collection method: clinical testing. Allele origin: germline.

Color Diagnostics, LLC DBA Color Health
Classification: Likely benign for Hereditary cancer-predisposing syndrome. Last evaluated: 2019-07-01. Review status: criteria provided, single submitter. Criteria: ACMG Guidelines, 2015. Collection method: clinical testing. Allele origin: germline.

NM_007194.4(CHEK2):c.1623T>G (p.Ala541=)

Gene: CHEK2 (checkpoint kinase 2; minus strand). Cytogenetic location: 22q12.1.
Variant type: single nucleotide variant.
Coding change: c.1623T>G on transcript NM_007194.4 (MANE Select); coding-DNA position 1623, T replaced by G.
Protein change: p.Ala541=; no amino-acid change (alanine 541 retained).
Molecular consequence: synonymous variant.
Genome position (GRCh38, 1-based): chr22:28,687,906, A>C on the plus strand (T>G on the coding strand, the complement: CHEK2 is on the minus strand). VCF-style: chr22-28687906-A-C. GRCh37 (hg19) VCF-style: chr22-29083894-A-C.
Other names: c.1752T>G, p.Ala584= (NM_001005735.3); c.960T>G, p.Ala320= (NM_001257387.3); c.1422T>G, p.Ala474= (NM_001349956.3); c.1536T>G, p.Ala512= (NM_145862.3).
Identifiers: ClinVar variation 530240 (VCV000530240.18), dbSNP rs773670297, ClinGen allele CA10167601.